The following is an entry in ClinVar:

ClinVar aggregate classification (germline): Uncertain significance. Review status: criteria provided, multiple submitters, no conflicts (2 of 4 stars). 2 submissions from 2 submitters: Uncertain significance (2). Last evaluated 2023-12-09.

Conditions:
Spastic paraplegia. Identifiers: MedGen C0037772, HP:0001258.
Inborn genetic diseases. Identifiers: MedGen C0950123, MeSH D030342.

Allele frequency attached by ClinVar (database versions not stated): gnomAD exomes below 0.00001; gnomAD 0.00003; TOPMed 0.00005.
gnomAD v4.1: 9 of 1,613,428 alleles (0.00056%); highest among the groups gnomAD compares: African/African-American, 0.0093%; no homozygotes.

Submissions (2):

Ambry Genetics
Classification: Uncertain significance for Inborn genetic diseases. Last evaluated: 2023-12-09. Review status: criteria provided, single submitter. Criteria: Ambry Variant Classification Scheme 2023. Collection method: clinical testing. Allele origin: germline.

Labcorp Genetics (formerly Invitae), Labcorp
Classification: Uncertain significance for Spastic paraplegia. Last evaluated: 2022-03-26. Review status: criteria provided, single submitter. Criteria: Invitae Variant Classification Sherloc (09022015). Collection method: clinical testing. Allele origin: germline.
Comment: This sequence change replaces threonine, which is neutral and polar, with alanine, which is neutral and non-polar, at codon 361 of the AP4E1 protein (p.Thr361Ala). This variant is present in population databases (no rsID available, gnomAD 0.008%). This variant has not been reported in the literature in individuals affected with AP4E1-related conditions. Algorithms developed to predict the effect of missense changes on protein structure and function are either unavailable or do not agree on the potential impact of this missense change (SIFT: "Deleterious"; PolyPhen-2: "Benign"; Align-GVGD: "Class C0"). In summary, the available evidence is currently insufficient to determine the role of this variant in disease. Therefore, it has been classified as a Variant of Uncertain Significance.

NM_007347.5(AP4E1):c.1081A>G (p.Thr361Ala)

Gene: AP4E1 (adaptor related protein complex 4 subunit epsilon 1; plus strand). Cytogenetic location: 15q21.2.
Variant type: single nucleotide variant.
Coding change: c.1081A>G on transcript NM_007347.5 (MANE Select); coding-DNA position 1081, A replaced by G.
Protein change: p.Thr361Ala; replaces threonine 361 with alanine.
Molecular consequence: missense variant.
Genome position (GRCh38, 1-based): chr15:50,941,680, A>G. VCF-style: chr15-50941680-A-G. GRCh37 (hg19) VCF-style: chr15-51233877-A-G.
Other names: c.856A>G, p.Thr286Ala (NM_001252127.2); c.1081A>G (NM_007347.3); short protein forms T286A, T361A.
Identifiers: ClinVar variation 2039826 (VCV002039826.2), dbSNP rs944413129, ClinGen allele CA270523475.